The following is an entry in ClinVar:

ClinVar aggregate classification (germline): Uncertain significance (1 of 4 stars; one submission).

Submission:

Laboratory for Molecular Medicine, Mass General Brigham Personalized Medicine
Classification: Uncertain significance. Last evaluated: 2021-06-28. Review status: criteria provided, single submitter. Criteria: ACMG Guidelines, 2015. Collection method: clinical testing. Allele origin: germline.
Comment: It has not been reported in large population studies. This variant is a deletion of 3 amino acids at positions 1364-1366 and is not predicted to alter the protein reading-frame. It is unclear if this deletion will impact the protein; however, these amino acids are conserved through mammals, birds, amphibians, reptiles, and fish. In summary, while there is some suspicion for a pathogenic role, the clinical significance of this variant is uncertain. ACMG/AMP Criteria applied: PM4, PM2_Supporting, PM3_Supporting.

NM_016239.4(MYO15A):c.4091_4099del (p.Arg1364_Asp1366del)

Gene: MYO15A (myosin XVA; plus strand). Cytogenetic location: 17p11.2.
Variant type: Deletion.
Coding change: c.4091_4099del on transcript NM_016239.4 (MANE Select); coding-DNA positions 4091 to 4099, 9 bases deleted (GGAACGACA; older notation c.4091_4099delGGAACGACA).
Protein change: p.Arg1364_Asp1366del.
Molecular consequence: inframe deletion.
Genome position (GRCh38, 1-based): chr17:18,131,291-18,131,299, GGAACGACA deleted; deleting any 9 consecutive bases within chr17:18,131,289-18,131,299 gives the same sequence; the c. name uses the placement nearest the transcript's 3' end. VCF-style (leftmost placement, unchanged base first): chr17-18131288-TCAGGAACGA-T. GRCh37 (hg19) VCF-style: chr17-18034602-TCAGGAACGA-T.
Identifiers: ClinVar variation 666878 (VCV000666878.6), dbSNP rs1597777612, ClinGen allele CA915949629.